The following is an entry in ClinVar:

ClinVar aggregate classification (germline): Uncertain significance (1 of 4 stars; one submission).

Conditions:
Legius syndrome. Identifiers: Orphanet 137605, MedGen C1969623, MONDO:0012669, OMIM 611431. Disease mechanism: loss of function.

Submission:

Labcorp Genetics (formerly Invitae), Labcorp
Classification: Uncertain significance for Legius syndrome. Last evaluated: 2024-03-04. Review status: criteria provided, single submitter. Criteria: Invitae Variant Classification Sherloc (09022015). Collection method: clinical testing. Allele origin: germline.
Comment: This sequence change replaces aspartic acid, which is acidic and polar, with alanine, which is neutral and non-polar, at codon 96 of the SPRED1 protein (p.Asp96Ala). This variant is not present in population databases (gnomAD no frequency). This variant has not been reported in the literature in individuals affected with SPRED1-related conditions. ClinVar contains an entry for this variant (Variation ID: 2182239). Advanced modeling of protein sequence and biophysical properties (such as structural, functional, and spatial information, amino acid conservation, physicochemical variation, residue mobility, and thermodynamic stability) performed at Invitae indicates that this missense variant is not expected to disrupt SPRED1 protein function with a negative predictive value of 80%. In summary, the available evidence is currently insufficient to determine the role of this variant in disease. Therefore, it has been classified as a Variant of Uncertain Significance.

NM_152594.3(SPRED1):c.287A>C (p.Asp96Ala)

Gene: SPRED1 (sprouty related EVH1 domain containing 1; plus strand). Cytogenetic location: 15q14.
Variant type: single nucleotide variant.
Coding change: c.287A>C on transcript NM_152594.3 (MANE Select); coding-DNA position 287, A replaced by C.
Protein change: p.Asp96Ala; replaces aspartic acid 96 with alanine.
Molecular consequence: missense variant.
Genome position (GRCh38, 1-based): chr15:38,322,320, A>C. VCF-style: chr15-38322320-A-C. GRCh37 (hg19) VCF-style: chr15-38614521-A-C.
Other names: short protein forms D96A.
Identifiers: ClinVar variation 2182239 (VCV002182239.4), dbSNP rs1555391039, ClinGen allele CA391932064.
Genomic context (GRCh38, chr15:38,322,320, plus strand): 5'-TTAAAAAAGACCTCATTTATAATAAGGTCACTCCAACATTTCACCACTGGAAGATTGATG[A>C]CAAGAAGTTTGGTCTTACGTTTCAAAGTCCTGCTGATGCTAGGGCTTTTGATAGAGGTAT-3'
Protein context (NP_689807.1, residues 86-106): TPTFHHWKID[Asp96Ala]KKFGLTFQSP